The following is an entry in ClinVar:

ClinVar aggregate classification (germline): Conflicting classifications of pathogenicity. Review status: criteria provided, conflicting classifications (1 of 4 stars). 2 submissions from 2 submitters: Uncertain significance (1); Likely benign (1). Last evaluated 2025-02-24.

Conditions:
Inborn genetic diseases. Identifiers: MedGen C0950123, MeSH D030342.

Allele frequency attached by ClinVar (database versions not stated): gnomAD 0.00001; TOPMed 0.00001; ExAC 0.00002; gnomAD exomes 0.00002.
gnomAD v4.1: 30 of 1,613,940 alleles (0.0019%); highest among the groups gnomAD compares: Admixed American, 0.0083%; no homozygotes.

Submissions (2):

Labcorp Genetics (formerly Invitae), Labcorp
Classification: Uncertain significance. Last evaluated: 2025-02-24. Review status: criteria provided, single submitter. Criteria: Invitae Variant Classification Sherloc (09022015). Collection method: clinical testing. Allele origin: germline.
Comment: This sequence change replaces arginine, which is basic and polar, with glutamine, which is neutral and polar, at codon 1633 of the MACF1 protein (p.Arg1633Gln). This variant is present in population databases (rs763320493, gnomAD 0.01%). This variant has not been reported in the literature in individuals affected with MACF1-related conditions. ClinVar contains an entry for this variant (Variation ID: 2148341). An algorithm developed to predict the effect of missense changes on protein structure and function outputs the following: PolyPhen-2: "Benign". The glutamine amino acid residue is found in multiple mammalian species, which suggests that this missense change does not adversely affect protein function. In summary, the available evidence is currently insufficient to determine the role of this variant in disease. Therefore, it has been classified as a Variant of Uncertain Significance.

Ambry Genetics
Classification: Likely benign for Inborn genetic diseases. Last evaluated: 2023-08-15. Review status: criteria provided, single submitter. Criteria: Ambry Variant Classification Scheme 2023. Collection method: clinical testing. Allele origin: germline.

NM_001394062.1(MACF1):c.11084G>A (p.Arg3695Gln)

Gene: MACF1 (microtubule actin crosslinking factor 1; plus strand). Cytogenetic location: 1p34.3.
Variant type: single nucleotide variant.
Coding change: c.11084G>A on transcript NM_001394062.1 (MANE Select); coding-DNA position 11084, G replaced by A.
Protein change: p.Arg3695Gln; replaces arginine 3695 with glutamine.
Molecular consequence: missense variant.
Genome position (GRCh38, 1-based): chr1:39,350,903, G>A. VCF-style: chr1-39350903-G-A. GRCh37 (hg19) VCF-style: chr1-39816575-G-A.
Other names: c.4898G>A (NM_012090.4); c.4898G>A, p.Arg1633Gln (NM_012090.5); short protein forms R3695Q, R1633Q.
Identifiers: ClinVar variation 2148341 (VCV002148341.6), dbSNP rs763320493, ClinGen allele CA781510.